The following is an entry in ClinVar:

NM_000435.3(NOTCH3):c.554G>A (p.Cys185Tyr)

Gene: NOTCH3 (notch receptor 3; minus strand). Cytogenetic location: 19p13.12.
Variant type: single nucleotide variant.
Coding change: c.554G>A on transcript NM_000435.3 (MANE Select); coding-DNA position 554, G replaced by A.
Protein change: p.Cys185Tyr; replaces cysteine 185 with tyrosine.
Molecular consequence: missense variant.
Genome position (GRCh38, 1-based): chr19:15,192,085, C>T on the plus strand (G>A on the coding strand, the complement: NOTCH3 is on the minus strand). VCF-style: chr19-15192085-C-T. GRCh37 (hg19) VCF-style: chr19-15302896-C-T.
Other names: short protein forms C185Y.
Identifiers: ClinVar variation 447858 (VCV000447858.9), dbSNP rs1555729477, ClinGen allele CA404533592.

ClinVar aggregate classification (germline): Pathogenic. Review status: criteria provided, multiple submitters, no conflicts (2 of 4 stars). 2 submissions from 2 submitters: Pathogenic (2). Last evaluated 2024-12-12.

Submissions (2):

Labcorp Genetics (formerly Invitae), Labcorp
Classification: Pathogenic. Last evaluated: 2024-12-12. Review status: criteria provided, single submitter. Criteria: Invitae Variant Classification Sherloc (09022015). Collection method: clinical testing. Allele origin: germline.
Comment: This sequence change replaces cysteine, which is neutral and slightly polar, with tyrosine, which is neutral and polar, at codon 185 of the NOTCH3 protein (p.Cys185Tyr). This variant is not present in population databases (gnomAD no frequency). This missense change has been observed in individuals with CADASIL (PMID: 25033846, 28991717, 31443546, 32277177, 34335700). This variant is also known as C158Y. ClinVar contains an entry for this variant (Variation ID: 447858). Invitae Evidence Modeling of protein sequence and biophysical properties (such as structural, functional, and spatial information, amino acid conservation, physicochemical variation, residue mobility, and thermodynamic stability) indicates that this missense variant is expected to disrupt NOTCH3 protein function with a positive predictive value of 95%. This variant disrupts the CADASIL amino acid residue in NOTCH3. Other variant(s) that disrupt this residue have been observed in individuals with NOTCH3-related conditions (PMID: 11755616, 30402942), which suggests that this may be a clinically significant amino acid residue. For these reasons, this variant has been classified as Pathogenic.

Athena Diagnostics
Classification: Pathogenic. Last evaluated: 2024-09-18. Review status: criteria provided, single submitter. Criteria: Athena Diagnostics Criteria. Collection method: clinical testing. Allele origin: unknown.
Comment: This variant alters a critical location within the protein, and is expected to severely affect function and cause disease. This variant has not been reported in large, multi-ethnic general populations. This variant has been identified in at least one individual with clinical features associated with CADASIL. Greater than 90% of NOTCH3 pathogenic variants associated with CADASIL involve the gain or loss of a cysteine residue within the epidermal growth factor (EGF)-like repeat domain (PMID: 32457593, 20301673).

Literature cited by the submitters: PubMed 25033846 (cited by Labcorp Genetics (formerly Invitae), Labcorp and Athena Diagnostics); PubMed 28991717 (cited by Labcorp Genetics (formerly Invitae), Labcorp and Athena Diagnostics); PubMed 31443546 (cited by Labcorp Genetics (formerly Invitae), Labcorp and Athena Diagnostics); PubMed 32277177 (cited by Labcorp Genetics (formerly Invitae), Labcorp and Athena Diagnostics); PubMed 34335700 (cited by Labcorp Genetics (formerly Invitae), Labcorp); PubMed 11755616 (cited by Labcorp Genetics (formerly Invitae), Labcorp); PubMed 30402942 (cited by Labcorp Genetics (formerly Invitae), Labcorp).